The following is an entry in ClinVar:

NM_006785.4(MALT1):c.1090G>A (p.Val364Met)

Gene: MALT1 (MALT1 paracaspase; plus strand). Cytogenetic location: 18q21.32.
Variant type: single nucleotide variant.
Coding change: c.1090G>A on transcript NM_006785.4 (MANE Select); coding-DNA position 1090, G replaced by A.
Protein change: p.Val364Met; replaces valine 364 with methionine.
Molecular consequence: missense variant.
Genome position (GRCh38, 1-based): chr18:58,723,119, G>A. VCF-style: chr18-58723119-G-A. GRCh37 (hg19) VCF-style: chr18-56390351-G-A.
Other names: c.1057G>A, p.Val353Met (NM_173844.3); short protein forms V353M, V364M.
Identifiers: ClinVar variation 2041962 (VCV002041962.4), dbSNP rs1020406264, ClinGen allele CA300952578.

ClinVar aggregate classification (germline): Uncertain significance (1 of 4 stars; one submission).

Conditions:
Combined immunodeficiency due to MALT1 deficiency. Also called: Immunodeficiency 12. Identifiers: Orphanet 397964, MedGen C3809583, MONDO:0014197, OMIM 615468.

Allele frequency attached by ClinVar (database versions not stated): gnomAD exomes below 0.00001; TOPMed below 0.00001; gnomAD 0.00001.
gnomAD v4.1: 3 of 1,613,736 alleles (0.00019%); highest among the groups gnomAD compares: Non-Finnish European, 0.00025%; no homozygotes.

Submission:

Labcorp Genetics (formerly Invitae), Labcorp
Classification: Uncertain significance for Combined immunodeficiency due to MALT1 deficiency. Last evaluated: 2022-07-29. Review status: criteria provided, single submitter. Criteria: Invitae Variant Classification Sherloc (09022015). Collection method: clinical testing. Allele origin: germline.
Comment: Algorithms developed to predict the effect of missense changes on protein structure and function are either unavailable or do not agree on the potential impact of this missense change (SIFT: "Deleterious"; PolyPhen-2: "Probably Damaging"; Align-GVGD: "Class C0"). In summary, the available evidence is currently insufficient to determine the role of this variant in disease. Therefore, it has been classified as a Variant of Uncertain Significance. This variant has not been reported in the literature in individuals affected with MALT1-related conditions. This variant is not present in population databases (gnomAD no frequency). This sequence change replaces valine, which is neutral and non-polar, with methionine, which is neutral and non-polar, at codon 364 of the MALT1 protein (p.Val364Met).